The following is an entry in ClinVar:

ClinVar aggregate classification (germline): Uncertain significance (1 of 4 stars; one submission).

Allele frequency attached by ClinVar (database versions not stated): TOPMed below 0.00001; ExAC 0.00001; gnomAD 0.00002; 1000 Genomes Project 30x 0.00016; 1000 Genomes Project 0.00020.
gnomAD v4.1: 8 of 1,613,514 alleles (0.0005%); highest among the groups gnomAD compares: African/African-American, 0.0027%; no homozygotes.

Submission:

Labcorp Genetics (formerly Invitae), Labcorp
Classification: Uncertain significance. Last evaluated: 2022-10-24. Review status: criteria provided, single submitter. Criteria: Invitae Variant Classification Sherloc (09022015). Collection method: clinical testing. Allele origin: germline.
Comment: In summary, the available evidence is currently insufficient to determine the role of this variant in disease. Therefore, it has been classified as a Variant of Uncertain Significance. Algorithms developed to predict the effect of missense changes on protein structure and function (SIFT, PolyPhen-2, Align-GVGD) all suggest that this variant is likely to be tolerated. This variant has not been reported in the literature in individuals affected with PROSC-related conditions. This variant is present in population databases (rs530979693, gnomAD 0.003%). This sequence change replaces proline, which is neutral and non-polar, with leucine, which is neutral and non-polar, at codon 268 of the PROSC protein (p.Pro268Leu).

NM_007198.4(PLPBP):c.803C>T (p.Pro268Leu)

Gene: PLPBP (pyridoxal phosphate binding protein; plus strand). Cytogenetic location: 8p11.23.
Variant type: single nucleotide variant.
Coding change: c.803C>T on transcript NM_007198.4 (MANE Select); coding-DNA position 803, C replaced by T.
Protein change: p.Pro268Leu; replaces proline 268 with leucine.
Molecular consequence: missense variant.
Genome position (GRCh38, 1-based): chr8:37,778,079, C>T. VCF-style: chr8-37778079-C-T. GRCh37 (hg19) VCF-style: chr8-37635597-C-T.
Other names: c.833C>T, p.Pro278Leu (NM_001349346.2); c.797C>T, p.Pro266Leu (NM_001349347.2); c.647C>T, p.Pro216Leu (NM_001349348.2); short protein forms P266L, P278L, P268L, P216L.
Identifiers: ClinVar variation 2060587 (VCV002060587.4), dbSNP rs530979693, ClinGen allele CA4711370.